The following is an entry in ClinVar:

ClinVar aggregate classification (germline): Uncertain significance (1 of 4 stars; one submission).

Submission:

GeneDx
Classification: Uncertain significance. Last evaluated: 2025-02-11. Review status: criteria provided, single submitter. Criteria: GeneDx Variant Classification Process June 2021. Collection method: clinical testing. Allele origin: germline. Affected: yes.
Comment: Not observed at significant frequency in large population cohorts (gnomAD); In silico analysis supports that this missense variant has a deleterious effect on protein structure/function; Has not been previously published as pathogenic or benign to our knowledge

NM_178014.4(TUBB):c.920A>T (p.His307Leu)

Gene: TUBB (tubulin beta class I; plus strand). Cytogenetic location: 6p21.33.
Variant type: single nucleotide variant.
Coding change: c.920A>T on transcript NM_178014.4 (MANE Select); coding-DNA position 920, A replaced by T.
Protein change: p.His307Leu; replaces histidine 307 with leucine.
Molecular consequence: missense variant. On other transcripts: non-coding transcript variant (1), intron variant (1).
Genome position (GRCh38, 1-based): chr6:30,723,982, A>T. VCF-style: chr6-30723982-A-T. GRCh37 (hg19) VCF-style: chr6-30691759-A-T.
Other names: c.980A>T, p.His327Leu (NM_001293212.2); c.788A>T, p.His263Leu (NM_001293214.2); c.704A>T, p.His235Leu (NM_001293215.2, NM_001293216.2); c.370-56A>T (NM_001293213.2); short protein forms H235L, H263L, H307L, H327L.
Identifiers: ClinVar variation 3373503 (VCV003373503.2).